The following is an entry in ClinVar:

NM_022114.4(PRDM16):c.3366C>G (p.Asp1122Glu)

Gene: PRDM16 (PR/SET domain 16; plus strand). Cytogenetic location: 1p36.32.
Variant type: single nucleotide variant.
Coding change: c.3366C>G on transcript NM_022114.4 (MANE Select); coding-DNA position 3366, C replaced by G.
Protein change: p.Asp1122Glu; replaces aspartic acid 1122 with glutamic acid.
Molecular consequence: missense variant.
Genome position (GRCh38, 1-based): chr1:3,430,953, C>G. VCF-style: chr1-3430953-C-G. GRCh37 (hg19) VCF-style: chr1-3347517-C-G.
Other names: c.3366C>G, p.Asp1122Glu (NM_199454.3); short protein forms D1122E.
Identifiers: ClinVar variation 567513 (VCV000567513.9), dbSNP rs370195954, ClinGen allele CA338003926.

ClinVar aggregate classification (germline): Uncertain significance. Review status: criteria provided, multiple submitters, no conflicts (2 of 4 stars). 2 submissions from 2 submitters: Uncertain significance (2). Last evaluated 2024-01-28.

Conditions:
Left ventricular noncompaction 8 (LVNC8). Identifiers: Orphanet 154, Orphanet 54260, MedGen C3809288, MONDO:0014152, OMIM 615373.

gnomAD v4.1: 6 of 1,613,338 alleles (0.00037%); highest among the groups gnomAD compares: African/African-American, 0.0013%; no homozygotes.

Submissions (2):

Labcorp Genetics (formerly Invitae), Labcorp
Classification: Uncertain significance for Left ventricular noncompaction 8. Last evaluated: 2024-01-28. Review status: criteria provided, single submitter. Criteria: Invitae Variant Classification Sherloc (09022015). Collection method: clinical testing. Allele origin: germline.
Comment: This sequence change replaces aspartic acid, which is acidic and polar, with glutamic acid, which is acidic and polar, at codon 1122 of the PRDM16 protein (p.Asp1122Glu). This variant is not present in population databases (gnomAD no frequency). This missense change has been observed in individual(s) with dilated cardiomyopathy (PMID: 30847666). ClinVar contains an entry for this variant (Variation ID: 567513). Algorithms developed to predict the effect of missense changes on protein structure and function output the following: SIFT: "Not Available"; PolyPhen-2: "Benign"; Align-GVGD: "Not Available". The glutamic acid amino acid residue is found in multiple mammalian species, which suggests that this missense change does not adversely affect protein function. In summary, the available evidence is currently insufficient to determine the role of this variant in disease. Therefore, it has been classified as a Variant of Uncertain Significance.

Breakthrough Genomics
Classification: Uncertain significance. Review status: criteria provided, single submitter. Criteria: ACMG Guidelines, 2015. Collection method: not provided. Allele origin: germline. Inheritance: Autosomal dominant inheritance. Affected: yes.

Literature cited by the submitters: PubMed 30847666 (cited by Labcorp Genetics (formerly Invitae), Labcorp).